The following is an entry in ClinVar:

ClinVar aggregate classification (germline): Conflicting classifications of pathogenicity. Review status: criteria provided, conflicting classifications (1 of 4 stars). 5 submissions from 5 submitters: Likely pathogenic (2); Uncertain significance (3). Last evaluated 2026-06-09.

Conditions:
Familial cancer of breast. Also called: BREAST CANCER, FAMILIAL; hereditary breast carcinoma; Hereditary breast cancer. Identifiers: Orphanet 227535, MedGen C0346153, MONDO:0016419, OMIM 114480. Disease mechanism: loss of function.
Hereditary cancer-predisposing syndrome. Also called: Hereditary Cancer Syndrome; Neoplastic Syndromes, Hereditary; Tumor predisposition; Hereditary neoplastic syndrome. Identifiers: Orphanet 140162, MedGen C0027672, MeSH D009386, MONDO:0015356.
Fanconi anemia complementation group J. Also called: BRIP1-Related Fanconi Anemia. Identifiers: Orphanet 84, MedGen C1836860, MONDO:0012187, OMIM 609054.
Hereditary breast ovarian cancer syndrome. Also called: Hereditary breast and ovarian cancer syndrome; BRCA1- and BRCA2-Associated Hereditary Breast and Ovarian Cancer; Hereditary breast and ovarian cancer syndrome (HBOC); Hereditary breast and/or ovarian cancer syndrome; Hereditary breast and ovarian cancer; Breast and ovarian cancer. Identifiers: Orphanet 145, MedGen C0677776, MeSH D061325, MONDO:0003582. Disease mechanism: loss of function.

Submissions (5):

German Consortium for Hereditary Breast and Ovarian Cancer, University Hospital Cologne
Classification: Uncertain significance for Hereditary breast ovarian cancer syndrome. Last evaluated: 2026-06-09. Review status: criteria provided, single submitter. Criteria: ACMG SVI. Collection method: curation. Allele origin: germline.
Comment: This classification follows the ACMG SVI adaptation classification scheme; We chose these criteria: PS1 (supporting pathogenic): BRIP1 c.2575+1G>A, c.2575+1G>C, c.2575+1G>T all SpliceAI DL 0.60 (as per Walker et al. 2023: VUA located outside splice donor/acceptor --> comparison variant within same splice donor/acceptor motif --> LP variant: PS1_sup, PM2 (supporting pathogenic): absent from gnomAD v2/3/4, PP3 (supporting pathogenic): Splice AI: DL = 0.6

Ambry Genetics
Classification: Likely pathogenic for Hereditary cancer-predisposing syndrome. Last evaluated: 2026-01-06. Review status: criteria provided, single submitter. Criteria: Ambry Variant Classification Scheme 2023. Collection method: clinical testing. Allele origin: germline.
Comment: The c.2575+2dupT intronic variant, results from a duplication of one nucleotide two nucleotide positions after coding exon 17 of the BRIP1 gene. This variant was not reported in population-based cohorts in the Genome Aggregation Database (gnomAD). This nucleotide position is highly conserved in available vertebrate species. In silico splice site analysis predicts that this alteration will weaken the native splice donor site. Alterations that disrupt the canonical splice site are expected to cause aberrant splicing, resulting in an abnormal protein or a transcript that is subject to nonsense-mediated mRNA decay. As such, this alteration is classified as likely pathogenic.

Labcorp Genetics (formerly Invitae), Labcorp
Classification: Uncertain significance for Familial cancer of breast; Fanconi anemia complementation group J. Last evaluated: 2025-02-13. Review status: criteria provided, single submitter. Criteria: Invitae Variant Classification Sherloc (09022015). Collection method: clinical testing. Allele origin: germline.
Comment: This sequence change falls in intron 18 of the BRIP1 gene. It does not directly change the encoded amino acid sequence of the BRIP1 protein. It affects a nucleotide within the consensus splice site. This variant is not present in population databases (gnomAD no frequency). This variant has not been reported in the literature in individuals affected with BRIP1-related conditions. ClinVar contains an entry for this variant (Variation ID: 491448). Variants that disrupt the consensus splice site are a relatively common cause of aberrant splicing (PMID: 17576681, 9536098). Algorithms developed to predict the effect of sequence changes on RNA splicing suggest that this variant may disrupt the consensus splice site. In summary, the available evidence is currently insufficient to determine the role of this variant in disease. Therefore, it has been classified as a Variant of Uncertain Significance.

Color Diagnostics, LLC DBA Color Health
Classification: Likely pathogenic for Hereditary cancer-predisposing syndrome. Last evaluated: 2020-02-26. Review status: criteria provided, single submitter. Criteria: ACMG Guidelines, 2015. Collection method: clinical testing. Allele origin: germline.
Comment: This variant causes duplication at +2 position in intron 18 of the BRIP1 gene. Splice site prediction tools predict that this variant may have a significant impact on RNA splicing. Although this prediction has not been confirmed in published RNA studies, this variant is expected to result in an absent or disrupted protein product. To our knowledge, functional studies have not been reported for this variant. This variant has not been reported in individuals affected with hereditary cancer in the literature. This variant has not been identified in the general population by the Genome Aggregation Database (gnomAD). Loss of BRIP1 function is a known mechanism of disease. Based on the available evidence, this variant is classified as Likely Pathogenic.

Mendelics
Classification: Uncertain significance for Familial cancer of breast. Last evaluated: 2019-05-28. Review status: criteria provided, single submitter. Criteria: Mendelics Assertion Criteria 2017. Collection method: clinical testing. Allele origin: unknown.

Literature cited by the submitters: PubMed 17576681 (cited by Labcorp Genetics (formerly Invitae), Labcorp); PubMed 9536098 (cited by Labcorp Genetics (formerly Invitae), Labcorp).

NM_032043.3(BRIP1):c.2575+2dup

Gene: BRIP1 (BRCA1 interacting DNA helicase 1; minus strand). Cytogenetic location: 17q23.2.
Variant type: Duplication.
Coding change: c.2575+2dup on transcript NM_032043.3 (MANE Select); the canonical splice donor site of the intron after coding-DNA position 2575, one base duplicated (T; older notation c.2575+2dupT).
Molecular consequence: splice donor variant.
Genome position (GRCh38, 1-based): chr17:61,693,428, A duplicated on the plus strand (T on the coding strand, the reverse complement: BRIP1 is on the minus strand). VCF-style (leftmost placement, unchanged base first): chr17-61693427-T-TA. GRCh37 (hg19) VCF-style: chr17-59770788-T-TA.
Other names: c.2575+2dupT (NM_032043.2).
Identifiers: ClinVar variation 491448 (VCV000491448.19), dbSNP rs1555574711, ClinGen allele CA658684160.